The following is an entry in ClinVar:

ClinVar aggregate classification (germline): Uncertain significance (1 of 4 stars; one submission).

Conditions:
LAMA2-related muscular dystrophy (LAMA2-RD). Also called: Laminin alpha 2-related dystrophy. Identifiers: MedGen C5679788, MONDO:0100228.

Allele frequency attached by ClinVar (database versions not stated): ExAC 0.00001; gnomAD 0.00001; gnomAD exomes 0.00002.
gnomAD v4.1: 25 of 1,562,324 alleles (0.0016%); highest among the groups gnomAD compares: Non-Finnish European, 0.0022%; no homozygotes.

Submission:

Labcorp Genetics (formerly Invitae), Labcorp
Classification: Uncertain significance for LAMA2-related muscular dystrophy. Last evaluated: 2022-05-29. Review status: criteria provided, single submitter. Criteria: Invitae Variant Classification Sherloc (09022015). Collection method: clinical testing. Allele origin: germline.
Comment: This sequence change replaces alanine, which is neutral and non-polar, with glycine, which is neutral and non-polar, at codon 2483 of the LAMA2 protein (p.Ala2483Gly). This variant is present in population databases (rs771227367, gnomAD 0.002%). This variant has not been reported in the literature in individuals affected with LAMA2-related conditions. Advanced modeling of protein sequence and biophysical properties (such as structural, functional, and spatial information, amino acid conservation, physicochemical variation, residue mobility, and thermodynamic stability) performed at Invitae indicates that this missense variant is not expected to disrupt LAMA2 protein function. Algorithms developed to predict the effect of sequence changes on RNA splicing suggest that this variant may disrupt the consensus splice site. In summary, the available evidence is currently insufficient to determine the role of this variant in disease. Therefore, it has been classified as a Variant of Uncertain Significance.

NM_000426.4(LAMA2):c.7448C>G (p.Ala2483Gly)

Gene: LAMA2 (laminin subunit alpha 2; plus strand). Cytogenetic location: 6q22.33.
Variant type: single nucleotide variant.
Coding change: c.7448C>G on transcript NM_000426.4 (MANE Select); coding-DNA position 7448, C replaced by G.
Protein change: p.Ala2483Gly; replaces alanine 2483 with glycine.
Molecular consequence: missense variant. On other transcripts: intron variant (1).
Genome position (GRCh38, 1-based): chr6:129,475,398, C>G. VCF-style: chr6-129475398-C-G. GRCh37 (hg19) VCF-style: chr6-129796543-C-G.
Other names: c.7439+2046C>G (NM_001079823.2); short protein forms A2483G.
Identifiers: ClinVar variation 2165912 (VCV002165912.1), dbSNP rs771227367, ClinGen allele CA3994561.
Genomic context (GRCh38, chr6:129,475,398, plus strand): 5'-TAAGTAAATTGTTTTTATTTTTGTTTTTTTTTTCCTCTTTCCCGTTATCTAGTATGAAAG[C>G]AAGGTAAAATTTAAATTTATGCATGCCTTCTTCGAGTGCATGGGTTGGGTAAATGTGGCT-3'
Protein context (NP_000417.3, residues 2473-2493): LPTLRNLSMK[Ala2483Gly]RPEVNLKKYS